The following is an entry in ClinVar:

ClinVar aggregate classification (germline): Uncertain significance (1 of 4 stars; one submission).

Conditions:
Parkinsonism-dystonia, infantile. Identifiers: Orphanet 238455, MedGen C2751067, MONDO:0013150.

Allele frequency attached by ClinVar (database versions not stated): TOPMed below 0.00001; gnomAD exomes 0.00002 and 0.00004; ExAC 0.00006.

Submission:

Labcorp Genetics (formerly Invitae), Labcorp
Classification: Uncertain significance for Parkinsonism-dystonia, infantile. Last evaluated: 2021-11-06. Review status: criteria provided, single submitter. Criteria: Invitae Variant Classification Sherloc (09022015). Collection method: clinical testing. Allele origin: germline.
Comment: This variant occurs in a non-coding region of the SLC6A3 gene. It does not change the encoded amino acid sequence of the SLC6A3 protein. This variant is present in population databases (rs755504692, gnomAD 0.03%). This variant has not been reported in the literature in individuals affected with SLC6A3-related conditions. This variant is also known as c.1dup (p.Met1?). Experimental studies and prediction algorithms are not available or were not evaluated, and the functional significance of this variant is currently unknown. In summary, the available evidence is currently insufficient to determine the role of this variant in disease. Therefore, it has been classified as a Variant of Uncertain Significance.

NM_001044.5(SLC6A3):c.1dup (p.Met1fs)

Gene: SLC6A3 (solute carrier family 6 member 3). Cytogenetic location: 5p15.33.
Variant type: Duplication.
Coding change: c.1dup on transcript NM_001044.5 (MANE Select); coding-DNA position 1, one base duplicated.
Protein change: p.Met1fs; shifts the reading frame from methionine 1.
Molecular consequence: frameshift variant, initiator codon variant.
Genome position: GRCh38 VCF-style: chr5-1443196-A-AT. GRCh37 (hg19) VCF-style: chr5-1443311-A-AT.
Other names: short protein forms M1fs.
Identifiers: ClinVar variation 1362421 (VCV001362421.4), dbSNP rs755504692, ClinGen allele CA3186514.